The following is an entry in ClinVar:

ClinVar aggregate classification (germline): Uncertain significance. Review status: criteria provided, multiple submitters, no conflicts (2 of 4 stars). 2 submissions from 2 submitters: Uncertain significance (2). Last evaluated 2025-03-02.

Conditions:
Heterotopia, periventricular, X-linked dominant (PVNH1). Also called: PERIVENTRICULAR NODULAR HETEROTOPIA 1; X-linked periventricular heterotopia; PERIVENTRICULAR NODULAR HETEROTOPIA 4; HETEROTOPIA, PERIVENTRICULAR, 1. Identifiers: Orphanet 2149, Orphanet 82004, MedGen C1848213, MONDO:0010233, OMIM 300049.
Oto-palato-digital syndrome, type II (OPD2). Also called: FACIOPALATOOSSEOUS SYNDROME; OPD II SYNDROME; Otopalatodigital Syndrome Type 2 (FLNA-OPD2); Otopalatodigital Syndrome, Type II. Identifiers: Orphanet 669, Orphanet 90652, MedGen C1844696, MONDO:0010571, OMIM 304120.
Frontometaphyseal dysplasia (FMD1). Identifiers: Orphanet 1826, MedGen C0265293, MONDO:0015942.
Melnick-Needles syndrome (MNS). Also called: MELNICK-NEEDLES OSTEODYSPLASTY; OSTEODYSPLASTY OF MELNICK AND NEEDLES; Melnick-Needles Syndrome (FLNA-MNS). Identifiers: Orphanet 2484, MedGen C0025237, MONDO:0010650, OMIM 309350.

Allele frequency attached by ClinVar (database versions not stated): gnomAD exomes below 0.00001; gnomAD 0.00001; 1000 Genomes Project 30x 0.00021; 1000 Genomes Project 0.00026.
gnomAD v4.1: 3 of 1,209,655 alleles (0.00025%); highest among the groups gnomAD compares: South Asian, 0.0018%; no homozygotes.

Submissions (2):

Labcorp Genetics (formerly Invitae), Labcorp
Classification: Uncertain significance for Oto-palato-digital syndrome, type II; Heterotopia, periventricular, X-linked dominant; Frontometaphyseal dysplasia; Melnick-Needles syndrome. Last evaluated: 2025-03-02. Review status: criteria provided, single submitter. Criteria: Invitae Variant Classification Sherloc (09022015). Collection method: clinical testing. Allele origin: germline.
Comment: This sequence change replaces valine, which is neutral and non-polar, with alanine, which is neutral and non-polar, at codon 2608 of the FLNA protein (p.Val2608Ala). This variant is not present in population databases (gnomAD no frequency). This variant has not been reported in the literature in individuals affected with FLNA-related conditions. ClinVar contains an entry for this variant (Variation ID: 1700827). Invitae Evidence Modeling of protein sequence and biophysical properties (such as structural, functional, and spatial information, amino acid conservation, physicochemical variation, residue mobility, and thermodynamic stability) indicates that this missense variant is not expected to disrupt FLNA protein function with a negative predictive value of 95%. In summary, the available evidence is currently insufficient to determine the role of this variant in disease. Therefore, it has been classified as a Variant of Uncertain Significance.

GeneDx
Classification: Uncertain significance. Last evaluated: 2022-08-05. Review status: criteria provided, single submitter. Criteria: GeneDx Variant Classification Process June 2021. Collection method: clinical testing. Allele origin: germline. Affected: yes.
Comment: Has not been previously published as pathogenic or benign to our knowledge; Not observed at significant frequency in large population cohorts (gnomAD); In silico analysis supports that this missense variant has a deleterious effect on protein structure/function

NM_001110556.2(FLNA):c.7847T>C (p.Val2616Ala)

Genes: FLNA (filamin A; minus strand), LOC107988032 (Xq28 proximal FLNA-EMD recombination region; plus strand). Cytogenetic location: Xq28.
Variant type: single nucleotide variant.
Coding change: c.7847T>C on transcript NM_001110556.2 (MANE Select); coding-DNA position 7847, T replaced by C.
Protein change: p.Val2616Ala; replaces valine 2616 with alanine.
Molecular consequence: missense variant.
Genome position (GRCh38, 1-based): chrX:154,348,946, A>G on the plus strand (T>C on the coding strand, the complement: FLNA is on the minus strand). VCF-style: chrX-154348946-A-G. GRCh37 (hg19) VCF-style: chrX-153577314-A-G.
Other names: c.7823T>C, p.Val2608Ala (NM_001456.4); short protein forms V2608A, V2616A.
Identifiers: ClinVar variation 1700827 (VCV001700827.7), dbSNP rs782411364, ClinGen allele CA337272553.
Genomic context (GRCh38, chrX:154,348,946, plus strand): 5'-TGCTCGTCCCCCCATTTGACCACCAGTGTGTACTCCCCCTTGTCCTTGAGCAGGTAGGAC[A>G]CGCTGTAGAGCCGGCTGCCCACGTGCTTCACCAGGATCTCCTCGCAGGGGGTCCTTGGGC-3'
Protein context (NP_001104026.1, residues 2606-2626): VKHVGSRLYS[Val2616Ala]SYLLKDKGEY